The following is an entry in ClinVar:

NM_000282.4(PCCA):c.468+211A>G

Gene: PCCA (propionyl-CoA carboxylase subunit alpha; plus strand). Cytogenetic location: 13q32.3.
Variant type: single nucleotide variant.
Coding change: c.468+211A>G on transcript NM_000282.4 (MANE Select); 211 bases into the intron after coding-DNA position 468, A replaced by G.
Molecular consequence: intron variant.
Genome position (GRCh38, 1-based): chr13:100,157,551, A>G. VCF-style: chr13-100157551-A-G. GRCh37 (hg19) VCF-style: chr13-100809805-A-G.
Other names: c.468+211A>G (NM_001178004.2, NM_001352605.2, NM_001352606.2 and 1 more transcripts); c.-399+211A>G (NM_001352610.2, NM_001352611.2, NM_001352612.2); c.390+211A>G (NM_001127692.3, NM_001352607.2, NM_001352608.2).
Identifiers: ClinVar variation 669947 (VCV000669947.1), dbSNP rs1556800, ClinGen allele CA255971049.
Genomic context (GRCh38, chr13:100,157,551, plus strand): 5'-TGAAACTCAACTGTTTATTTGAAGAGTAATTATAAAAACAGAAAAGTTTACAAAATCACC[A>G]TTACACTGAATGAATGATACCTGGTTTATTATATACTGCATGATATTTGAATTAAAGTTA-3'

ClinVar aggregate classification (germline): Benign (1 of 4 stars; one submission).

Allele frequency attached by ClinVar (database versions not stated): 1000 Genomes Project 0.11342; 1000 Genomes Project 30x 0.11524; TOPMed 0.13555; gnomAD 0.14182 and 0.14260.
gnomAD v4.1: 21,645 of 152,254 alleles (14%); highest among the groups gnomAD compares: Non-Finnish European, 18%; 1,659 homozygotes.

Submission:

GeneDx
Classification: Benign. Last evaluated: 2018-06-14. Review status: criteria provided, single submitter. Criteria: GeneDx Variant Classification (06012015). Collection method: clinical testing. Allele origin: germline. Affected: yes.
Comment: This variant is considered likely benign or benign based on one or more of the following criteria: it is a conservative change, it occurs at a poorly conserved position in the protein, it is predicted to be benign by multiple in silico algorithms, and/or has population frequency not consistent with disease.